The following is an entry in ClinVar:

ClinVar aggregate classification (germline): Uncertain significance (1 of 4 stars; one submission).

Conditions:
Hereditary cancer-predisposing syndrome. Also called: Hereditary Cancer Syndrome; Hereditary neoplastic syndrome; Neoplastic Syndromes, Hereditary; Tumor predisposition. Identifiers: Orphanet 140162, MedGen C0027672, MeSH D009386, MONDO:0015356.

Submission:

Ambry Genetics
Classification: Uncertain significance for Hereditary cancer-predisposing syndrome. Last evaluated: 2023-07-21. Review status: criteria provided, single submitter. Criteria: Ambry Variant Classification Scheme 2023. Collection method: clinical testing. Allele origin: germline.
Comment: The p.G2863S variant (also known as c.8587G>A), located in coding exon 58 of the ATM gene, results from a G to A substitution at nucleotide position 8587. The glycine at codon 2863 is replaced by serine, an amino acid with similar properties. This amino acid position is highly conserved in available vertebrate species. In addition, this alteration is predicted to be deleterious by in silico analysis. Since supporting evidence is limited at this time, the clinical significance of this alteration remains unclear.

NM_000051.4(ATM):c.8587G>A (p.Gly2863Ser)

Genes: ATM (ATM serine/threonine kinase; plus strand), C11orf65 (chromosome 11 open reading frame 65; minus strand). Cytogenetic location: 11q22.3.
Variant type: single nucleotide variant.
Coding change: c.8587G>A on transcript NM_000051.4 (MANE Select); coding-DNA position 8587, G replaced by A.
Protein change: p.Gly2863Ser; replaces glycine 2863 with serine.
Molecular consequence: missense variant. On other transcripts: intron variant (2).
Genome position (GRCh38, 1-based): chr11:108,347,281, G>A. VCF-style: chr11-108347281-G-A. GRCh37 (hg19) VCF-style: chr11-108218008-G-A.
Other names: c.8587G>A, p.Gly2863Ser (NM_001351834.2); c.641-38210C>T (NM_001330368.2); c.695-11989C>T (NM_001351110.2); short protein forms G2863S.
Identifiers: ClinVar variation 2624998 (VCV002624998.2), dbSNP rs2137078229, ClinGen allele CA382520275.
Genomic context (GRCh38, chr11:108,347,281, plus strand): 5'-ATATATTAGAAAGAGATGGAATCAGTGATTTCAGATTGTTTGTTTCTTTTTTCTCCAGTT[G>A]GTTACATACTTGGACTTGGTGATAGACATGTACAGAATATCTTGATAAATGAGCAGTCAG-3'
Protein context (NP_000042.3, residues 2853-2873): TRSVATSSIV[Gly2863Ser]YILGLGDRHV